The following is an entry in ClinVar:

NM_000257.4(MYH7):c.4325T>C (p.Leu1442Pro)

Genes: MHRT (myosin heavy chain associated RNA transcript; plus strand), MYH7 (myosin heavy chain 7; minus strand). Cytogenetic location: 14q11.2.
Variant type: single nucleotide variant.
Coding change: c.4325T>C on transcript NM_000257.4 (MANE Select); coding-DNA position 4325, T replaced by C.
Protein change: p.Leu1442Pro; replaces leucine 1442 with proline.
Molecular consequence: missense variant.
Genome position (GRCh38, 1-based): chr14:23,417,531, A>G on the plus strand (T>C on the coding strand, the complement: MYH7 is on the minus strand). VCF-style: chr14-23417531-A-G. GRCh37 (hg19) VCF-style: chr14-23886740-A-G.
Other names: short protein forms L1442P.
Identifiers: ClinVar variation 1060806 (VCV001060806.11), dbSNP rs2138646429, ClinGen allele CA389040090.
Genomic context (GRCh38, chr14:23,417,531, plus strand): 5'-CATGCTGGCTGCGGCCCCCACCCAGGGCCCACCTTGTCGAAGTTCCTCTGCTTCTTGTCC[A>G]GGGCTGCAGCAGCAGCATTGGAGCGCTCTACGTCCACCATCAAGTCCTCGATCTCATTCT-3'
Protein context (NP_000248.2, residues 1432-1452): VERSNAAAAA[Leu1442Pro]DKKQRNFDKI

ClinVar aggregate classification (germline): Conflicting classifications of pathogenicity. Review status: criteria provided, conflicting classifications (1 of 4 stars). 2 submissions from 2 submitters: Likely pathogenic (1); Uncertain significance (1). Last evaluated 2026-10-01.

Conditions:
Hypertrophic cardiomyopathy. Also called: HYPERTROPHIC MYOCARDIOPATHY. Identifiers: Orphanet 217569, MedGen C0007194, MeSH D002312, MONDO:0005045, HP:0001639.
Myosin storage myopathy (CMYO7A). Also called: MYOPATHY, HYALINE BODY, AUTOSOMAL DOMINANT; MYOPATHY WITH LYSIS OF TYPE I MYOFIBRILS; SCAPULOPERONEAL MUSCULAR DYSTROPHY; SCAPULOPERONEAL SYNDROME, MYOPATHIC TYPE; MYH7-related late-onset scapuloperoneal muscular dystrophy; Congenital myopathy 7A, myosin storage, autosomal dominant. Identifiers: Orphanet 437572, Orphanet 636965, MedGen C1842160, MONDO:0008409, OMIM 608358.

Submissions (2):

Systems Biology Laboratory, Department of Convergent Bioscience and Informatics, Chungnam National University
Classification: Likely pathogenic for Myosin storage myopathy. Last evaluated: 2026-10-01. Review status: criteria provided, single submitter. Criteria: ACMG Guidelines, 2015. Collection method: research. Allele origin: de novo. Inheritance: Autosomal dominant inheritance. Affected: yes. Observed: 1 variant allele, 1 heterozygote.
Comment: PS2 (confirmed de novo, parentage confirmed, 4) + PP3_Moderate (REVEL 0.926, 2) + PM2_Supporting (absent from gnomAD v4.1, 1) = 7 points. PM1 not applied: Leu1442 lies in the rod domain, outside the PM1 region (codons 181-937) defined by the ClinGen MYH7-specific rules (PMID:29300372).

Labcorp Genetics (formerly Invitae), Labcorp
Classification: Uncertain significance for Hypertrophic cardiomyopathy. Last evaluated: 2025-06-05. Review status: criteria provided, single submitter. Criteria: Invitae Variant Classification Sherloc (09022015). Collection method: clinical testing. Allele origin: germline.
Comment: This sequence change replaces leucine, which is neutral and non-polar, with proline, which is neutral and non-polar, at codon 1442 of the MYH7 protein (p.Leu1442Pro). This variant is not present in population databases (gnomAD no frequency). This variant has not been reported in the literature in individuals affected with MYH7-related conditions. ClinVar contains an entry for this variant (Variation ID: 1060806). Invitae Evidence Modeling of protein sequence and biophysical properties (such as structural, functional, and spatial information, amino acid conservation, physicochemical variation, residue mobility, and thermodynamic stability) indicates that this missense variant is expected to disrupt MYH7 protein function with a positive predictive value of 95%. In summary, the available evidence is currently insufficient to determine the role of this variant in disease. Therefore, it has been classified as a Variant of Uncertain Significance.

Literature cited by the submitters: PubMed 29300372 (cited by Systems Biology Laboratory, Department of Convergent Bioscience and Informatics, Chungnam National University).